The following is an entry in ClinVar:

NM_015378.4(VPS13D):c.3688G>A (p.Val1230Ile)

Gene: VPS13D (vacuolar protein sorting 13 homolog D; plus strand). Cytogenetic location: 1p36.22.
Variant type: single nucleotide variant.
Coding change: c.3688G>A on transcript NM_015378.4 (MANE Select); coding-DNA position 3688, G replaced by A.
Protein change: p.Val1230Ile; replaces valine 1230 with isoleucine.
Molecular consequence: missense variant.
Genome position (GRCh38, 1-based): chr1:12,277,276, G>A. VCF-style: chr1-12277276-G-A. GRCh37 (hg19) VCF-style: chr1-12337333-G-A.
Other names: p.Val1230Ile; c.3688G>A, p.Val1230Ile (NM_018156.4); short protein forms V1230I.
Identifiers: ClinVar variation 2320189 (VCV002320189.4), dbSNP rs778915150, ClinGen allele CA602008.

ClinVar aggregate classification (germline): Uncertain significance. Review status: criteria provided, multiple submitters, no conflicts (2 of 4 stars). 2 submissions from 2 submitters: Uncertain significance (2). Last evaluated 2025-02-19.

Conditions:
Inborn genetic diseases. Identifiers: MedGen C0950123, MeSH D030342.

Allele frequency attached by ClinVar (database versions not stated): ExAC 0.00001; TOPMed 0.00001; gnomAD 0.00002; gnomAD exomes 0.00002.
gnomAD v4.1: 36 of 1,614,076 alleles (0.0022%); highest among the groups gnomAD compares: East Asian, 0.0067%; no homozygotes.

Submissions (2):

Ambry Genetics
Classification: Uncertain significance for Inborn genetic diseases. Last evaluated: 2025-02-19. Review status: criteria provided, single submitter. Criteria: Ambry Variant Classification Scheme 2023. Collection method: clinical testing. Allele origin: germline.

Mayo Clinic Laboratories, Mayo Clinic
Classification: Uncertain significance. Last evaluated: 2024-01-04. Review status: criteria provided, single submitter. Criteria: ACMG Guidelines, 2015. Collection method: clinical testing. Allele origin: germline. Observed: 1 variant allele.
Comment: BP4